The following is an entry in ClinVar:

ClinVar aggregate classification (germline): Uncertain significance (1 of 4 stars; one submission).

Conditions:
Cardiovascular phenotype. Identifiers: MedGen CN230736.
Hereditary cancer-predisposing syndrome. Also called: Tumor predisposition; Neoplastic Syndromes, Hereditary; Hereditary Cancer Syndrome; Hereditary neoplastic syndrome. Identifiers: Orphanet 140162, MedGen C0027672, MeSH D009386, MONDO:0015356.

Submission:

Ambry Genetics
Classification: Uncertain significance for Cardiovascular phenotype; Hereditary cancer-predisposing syndrome. Last evaluated: 2024-12-16. Review status: criteria provided, single submitter. Criteria: Ambry Variant Classification Scheme 2023. Collection method: clinical testing. Allele origin: germline.
Comment: The p.T2519R variant (also known as c.7556C>G), located in coding exon 51 of the NF1 gene, results from a C to G substitution at nucleotide position 7556. The threonine at codon 2519 is replaced by arginine, an amino acid with similar properties. This amino acid position is conserved. In addition, the in silico prediction for this alteration is inconclusive. Based on the available evidence, the clinical significance of this variant remains unclear.

NM_001042492.3(NF1):c.7619C>G (p.Thr2540Arg)

Gene: NF1 (neurofibromin 1; plus strand). Cytogenetic location: 17q11.2.
Variant type: single nucleotide variant.
Coding change: c.7619C>G on transcript NM_001042492.3 (MANE Select); coding-DNA position 7619, C replaced by G.
Protein change: p.Thr2540Arg; replaces threonine 2540 with arginine.
Molecular consequence: missense variant.
Genome position (GRCh38, 1-based): chr17:31,356,463, C>G. VCF-style: chr17-31356463-C-G. GRCh37 (hg19) VCF-style: chr17-29683481-C-G.
Other names: c.7556C>G, p.Thr2519Arg (NM_000267.4); short protein forms T2519R, T2540R.
Identifiers: ClinVar variation 3879002 (VCV003879002.1).